The following is an entry in ClinVar:

ClinVar aggregate classification (germline): Benign/Likely benign. Review status: criteria provided, multiple submitters, no conflicts (2 of 4 stars). 3 submissions from 3 submitters: Benign (1); Likely benign (2). Last evaluated 2025-06-02.

Conditions:
Hereditary cancer-predisposing syndrome. Also called: Neoplastic Syndromes, Hereditary; Hereditary Cancer Syndrome; Hereditary neoplastic syndrome; Tumor predisposition. Identifiers: Orphanet 140162, MedGen C0027672, MeSH D009386, MONDO:0015356.
Tuberous sclerosis 2 (TSC2). Identifiers: Orphanet 805, MedGen C1860707, MONDO:0013199, OMIM 613254.

Allele frequency attached by ClinVar (database versions not stated): ExAC 0.00001.
gnomAD v4.1: 1 of 1,610,184 alleles (0.000062%); highest among the groups gnomAD compares: Non-Finnish European, 0.000085%; no homozygotes.

Submissions (3):

Myriad Genetics, Inc.
Classification: Benign for Tuberous sclerosis 2. Last evaluated: 2025-06-02. Review status: criteria provided, single submitter. Criteria: Myriad Autosomal Dominant, Autosomal Recessive and X-Linked Classification Criteria (2023). Collection method: clinical testing. Allele origin: unknown.
Comment: This variant is considered benign. This variant is a silent/synonymous amino acid change and it is not expected to impact splicing.

Ambry Genetics
Classification: Likely benign for Hereditary cancer-predisposing syndrome. Last evaluated: 2025-02-16. Review status: criteria provided, single submitter. Criteria: Ambry Variant Classification Scheme 2023. Collection method: clinical testing. Allele origin: germline.

Labcorp Genetics (formerly Invitae), Labcorp
Classification: Likely benign for Tuberous sclerosis 2. Last evaluated: 2022-09-13. Review status: criteria provided, single submitter. Criteria: Invitae Variant Classification Sherloc (09022015). Collection method: clinical testing. Allele origin: germline.

NM_000548.5(TSC2):c.3948G>A (p.Gly1316=)

Gene: TSC2 (TSC complex subunit 2; plus strand). Cytogenetic location: 16p13.3.
Variant type: single nucleotide variant.
Coding change: c.3948G>A on transcript NM_000548.5 (MANE Select); coding-DNA position 3948, G replaced by A.
Protein change: p.Gly1316=; no amino-acid change (glycine 1316 retained).
Molecular consequence: synonymous variant.
Genome position (GRCh38, 1-based): chr16:2,083,759, G>A. VCF-style: chr16-2083759-G-A. GRCh37 (hg19) VCF-style: chr16-2133760-G-A.
Other names: c.3948G>A (NM_000548.3); c.3747G>A, p.Gly1249= (NM_001077183.3); c.3879G>A, p.Gly1293= (NM_001114382.3); c.3639G>A, p.Gly1213= (NM_001318827.2); c.3603G>A, p.Gly1201= (NM_001318829.2); c.3216G>A, p.Gly1072= (NM_001318831.2); c.3780G>A, p.Gly1260= (NM_001318832.2); c.3750G>A, p.Gly1250= (NM_001363528.2); and 2 more.
Identifiers: ClinVar variation 1117412 (VCV001117412.11), dbSNP rs763278787, ClinGen allele CA049719.